The following is an entry in ClinVar:

ClinVar aggregate classification (germline): Uncertain significance. Review status: criteria provided, multiple submitters, no conflicts (2 of 4 stars). 2 submissions from 2 submitters: Uncertain significance (2). Last evaluated 2025-04-03.

Conditions:
Cardiovascular phenotype. Identifiers: MedGen CN230736.

Allele frequency attached by ClinVar (database versions not stated): gnomAD exomes below 0.00001; TOPMed 0.00001; gnomAD 0.00002.
gnomAD v4.1: 3 of 1,209,861 alleles (0.00025%); highest among the groups gnomAD compares: Non-Finnish European, 0.00034%; no homozygotes.

Submissions (2):

Labcorp Genetics (formerly Invitae), Labcorp
Classification: Uncertain significance. Last evaluated: 2025-04-03. Review status: criteria provided, single submitter. Criteria: Invitae Variant Classification Sherloc (09022015). Collection method: clinical testing. Allele origin: germline.
Comment: This sequence change replaces isoleucine, which is neutral and non-polar, with valine, which is neutral and non-polar, at codon 244 of the BGN protein (p.Ile244Val). This variant is not present in population databases (gnomAD no frequency). This variant has not been reported in the literature in individuals affected with BGN-related conditions. ClinVar contains an entry for this variant (Variation ID: 1758239). Invitae Evidence Modeling of protein sequence and biophysical properties (such as structural, functional, and spatial information, amino acid conservation, physicochemical variation, residue mobility, and thermodynamic stability) indicates that this missense variant is not expected to disrupt BGN protein function with a negative predictive value of 80%. In summary, the available evidence is currently insufficient to determine the role of this variant in disease. Therefore, it has been classified as a Variant of Uncertain Significance.

Ambry Genetics
Classification: Uncertain significance for Cardiovascular phenotype. Last evaluated: 2022-07-06. Review status: criteria provided, single submitter. Criteria: Ambry Variant Classification Scheme 2023. Collection method: clinical testing. Allele origin: germline.
Comment: The p.I244V variant (also known as c.730A>G), located in coding exon 5 of the BGN gene, results from an A to G substitution at nucleotide position 730. The isoleucine at codon 244 is replaced by valine, an amino acid with highly similar properties. This amino acid position is conserved. In addition, this alteration is predicted to be tolerated by in silico analysis. Since supporting evidence is limited at this time, the clinical significance of this alteration remains unclear.

NM_001711.6(BGN):c.730A>G (p.Ile244Val)

Gene: BGN (biglycan; plus strand). Cytogenetic location: Xq28.
Variant type: single nucleotide variant.
Coding change: c.730A>G on transcript NM_001711.6 (MANE Select); coding-DNA position 730, A replaced by G.
Protein change: p.Ile244Val; replaces isoleucine 244 with valine.
Molecular consequence: missense variant.
Genome position (GRCh38, 1-based): chrX:153,506,883, A>G. VCF-style: chrX-153506883-A-G. GRCh37 (hg19) VCF-style: chrX-152772341-A-G.
Other names: short protein forms I244V.
Identifiers: ClinVar variation 1758239 (VCV001758239.7), dbSNP rs2089804583, ClinGen allele CA415071188.
Genomic context (GRCh38, chrX:153,506,883, plus strand): 5'-CTGGCAGACCTCCCTGAGACCCTGAATGAACTCCACCTAGACCACAACAAAATCCAGGCC[A>G]TCGAACTGGAGGACCTGCTTCGCTACTCCAAGCTGTACAGGTGAGGCCAGCAGGGCACCG-3'
Protein context (NP_001702.1, residues 234-254): LHLDHNKIQA[Ile244Val]ELEDLLRYSK